The following is an entry in ClinVar:

ClinVar aggregate classification (germline): Uncertain significance (1 of 4 stars; one submission).

Conditions:
Cardiomyopathy (CMYO). Also called: Cardiomyopathies. Identifiers: Orphanet 167848, MedGen C0878544, MONDO:0004994, HP:0001638. Inheritance: Various modes of inheritance.

Submission:

Color Diagnostics, LLC DBA Color Health
Classification: Uncertain significance for Cardiomyopathy. Last evaluated: 2025-09-01. Review status: criteria provided, single submitter. Criteria: ACMG Guidelines, 2015. Collection method: clinical testing. Allele origin: germline.
Comment: This missense variant replaces glycine with glutamic acid at codon 2994 of the RYR2 protein. To our knowledge, functional studies have not been reported for this variant. This variant has not been reported in individuals affected with RYR2-related disorders in the literature. This variant has not been identified in the general population by the Genome Aggregation Database (gnomAD). The available evidence is insufficient to determine the role of this variant in disease conclusively. Therefore, this variant is classified as a Variant of Uncertain Significance.

NM_001035.3(RYR2):c.8979_8981delinsGGA (p.Gly2994Glu)

Gene: RYR2 (ryanodine receptor 2; plus strand). Cytogenetic location: 1q43.
Variant type: Indel.
Coding change: c.8979_8981delinsGGA on transcript NM_001035.3 (MANE Select); coding-DNA positions 8979 to 8981, AGG replaced by GGA.
Protein change: p.Gly2994Glu; replaces glycine 2994 with glutamic acid.
Molecular consequence: missense variant.
Genome position (GRCh38, 1-based): chr1:237,680,539-237,680,541, AGG replaced by GGA. VCF-style: chr1-237680539-AGG-GGA. GRCh37 (hg19) VCF-style: chr1-237843839-AGG-GGA.
Other names: short protein forms G2994E.
Identifiers: ClinVar variation 4756266 (VCV004756266.1).